The following is an entry in ClinVar:

NM_025114.4(CEP290):c.4966_4967del (p.Glu1656fs)

Gene: CEP290 (centrosomal protein 290; minus strand). Cytogenetic location: 12q21.32.
Variant type: Microsatellite.
Coding change: c.4966_4967del on transcript NM_025114.4 (MANE Select); coding-DNA positions 4966 to 4967, 2 bases deleted (GA; older notation c.4966_4967delGA).
Protein change: p.Glu1656fs; shifts the reading frame from glutamic acid 1656.
Molecular consequence: frameshift variant.
Genome position (GRCh38, 1-based): chr12:88,083,076-88,083,077, TC deleted on the plus strand (GA on the coding strand, the reverse complement: CEP290 is on the minus strand); deleting any 2 consecutive bases within chr12:88,083,076-88,083,080 gives the same sequence; the c. name uses the placement nearest the transcript's 3' end. VCF-style (leftmost placement, unchanged base first): chr12-88083075-TTC-T. GRCh37 (hg19) VCF-style: chr12-88476852-TTC-T.
Other names: NM_025114.4(CEP290):c.4966_4967del; p.Glu1656fs; c.4966_4967delGA (NM_025114.3); short protein forms E1656fs.
Identifiers: ClinVar variation 217632 (VCV000217632.18), dbSNP rs756302731, ClinGen allele CA277692.
Genomic context (GRCh38, chr12:88,083,075, plus strand): 5'-CATTTCGAAGACTTACTGTAATTTGATATTTTCAAATTCTTTTACTTTTAATTCAGTGAT[TTC>T]TCTTTGTCTCTCCAAATCTTGTGATACTTTCTTTAGTTTGACCAAGAGTGAGGAAAGAGA-3'

ClinVar aggregate classification (germline): Pathogenic. Review status: reviewed by expert panel (3 of 4 stars). 8 submissions from 8 submitters: Pathogenic (1). 7 of the submissions do not count toward it. Last evaluated 2026-07-20.

Conditions:
CEP290-related disorder. Also called: CEP290-related condition; CEP290-related disorders. Identifiers: MedGen CN239314.
CEP290-related ciliopathy. Also called: CEP290 ciliopathy. Identifiers: MedGen CN305601, MONDO:0100451.
Nephronophthisis. Also called: Juvenile Nephronophthisis. Identifiers: Orphanet 655, MedGen C0687120, MONDO:0019005, HP:0000090.
Joubert syndrome. Also called: Familial aplasia of the vermis; JOUBERT-BOLTSHAUSER SYNDROME. Identifiers: Orphanet 475, MedGen C5979921, MONDO:0018772.
Meckel-Gruber syndrome. Also called: DYSENCEPHALIA SPLANCHNOCYSTICA; GRUBER SYNDROME; Dysencephalia splachnocystica. Identifiers: Orphanet 564, MedGen C0265215, MONDO:0018921.
Leber congenital amaurosis (LCA). Also called: Leber's amaurosis. Identifiers: Orphanet 65, MedGen C0339527, MeSH D057130, MONDO:0018998.
Bardet-Biedl syndrome 14 (BBS14). Identifiers: Orphanet 110, MedGen C2673874, MONDO:0014442, OMIM 615991.
Joubert syndrome 5 (JBTS5). Identifiers: Orphanet 2318, MedGen C1857780, MONDO:0012432, OMIM 610188.

Submissions (8):

ClinGen Leber Congenital Amaurosis/early Onset Retinal Dystrophy Variant Curation Expert Panel, ClinGen
Classification: Pathogenic for CEP290-related ciliopathy. Last evaluated: 2026-07-20. Review status: reviewed by expert panel. Criteria: ClinGen LCAeoRD ACMG Specifications CEP290 V1.0.0. Collection method: curation. Allele origin: germline. Inheritance: Autosomal recessive inheritance.
Comment: NM_025114.4(CEP290):c.4966_4967del (p.Glu1656AsnfsTer3) is a frameshift variant that introduces a premature stop codon into exon 37 of 54 and is predicted to lead to nonsense-mediated decay in a gene in which loss-of-function is an established mechanism of disease (PVS1). This variant is present in gnomAD v4.1.1 at a total allele frequency of 0.000002620, with 4 alleles / 1,526,986 total alleles, which is lower than the ClinGen LCA/eoRD VCEP PM2_Supporting threshold of <0.0006 (PM2_Supporting). The proband exhibits a phenotype including diagnosis of Leber congenital amaurosis (0.5 pts) with onset at birth (0.5 pts), visual acuity limited to light perception only (0.5 pts), nonrecordable electroretinogram responses from rods and cones, nystagmus (0.5 pts), vitreous cells, narrow versus, and severe taporetinal dystrophy, which together were not sufficient to meet PP4 (2 pts total, PMID: 21153841). The variant has been reported to segregate with childhood-onset severe retinal dystrophy through the proband plus 1 similarly affected relative, with the variant present in the compound heterozygous state (PMID: 29398085, PP1). In summary, this variant meets the criteria to be classified as Pathogenic for CEP290-related ciliopathy based on the ACMG/AMP criteria applied, as specified by the ClinGen LCA/eoRD VCEP: PVS1, PM2_Supporting, and PP1. (LCA/eoRD VCEP Specifications for CEP290 Version 1.0.0)

PreventionGenetics, part of Exact Sciences
Classification: Pathogenic for CEP290-related condition. Last evaluated: 2026-02-17. Review status: criteria provided, single submitter. Criteria: ACMG Guidelines, 2015. Collection method: clinical testing. Allele origin: germline. Not counted in ClinVar's aggregate classification.
Comment: The CEP290 c.4966_4967delGA variant is predicted to result in a frameshift and premature protein termination (p.Glu1656Asnfs*3). This variant, when present with another variant in a compound heterozygous state, has been reported to be causative for Joubert syndrome and kidney disorders in unrelated individuals (Bachmann-Gagescu et al. 2015. PubMed ID: 26092869; Mallett et al. 2017. PubMed ID: 28844315; Schueler et al. 2016. PubMed ID: 26673778). This variant is reported in 0.0017% of alleles in individuals of European (Non-Finnish) descent in gnomAD. Frameshift variants in CEP290 are expected to be pathogenic. This variant is interpreted as pathogenic.

Labcorp Genetics (formerly Invitae), Labcorp
Classification: Pathogenic for Joubert syndrome; Meckel-Gruber syndrome; Nephronophthisis. Last evaluated: 2025-12-30. Review status: criteria provided, single submitter. Criteria: Invitae Variant Classification Sherloc (09022015). Collection method: clinical testing. Allele origin: germline. Not counted in ClinVar's aggregate classification.
Comment: This sequence change creates a premature translational stop signal (p.Glu1656Asnfs*3) in the CEP290 gene. It is expected to result in an absent or disrupted protein product. Loss-of-function variants in CEP290 are known to be pathogenic (PMID: 16909394, 17345604, 20690115). This variant is present in population databases (rs756302731, gnomAD 0.002%). This premature translational stop signal has been observed in individual(s) with clinical features of CEP290-related conditions (PMID: 17345604, 17409309, 26092869, 26673778). ClinVar contains an entry for this variant (Variation ID: 217632). For these reasons, this variant has been classified as Pathogenic.

Natera, Inc.
Classification: Pathogenic for Leber congenital amaurosis. Last evaluated: 2025-05-29. Review status: criteria provided, single submitter. Criteria: Natera Variant Classification Schema (03/2026). Collection method: clinical testing. Allele origin: germline. Not counted in ClinVar's aggregate classification.
Comment: The c.4966_4967delGA variant in CEP290 is a frameshift variant predicted to shift the reading frame beginning at codon 1656 and leads to a stop codon 3 codons downstream. This variant is expected to result in nonsense mediated decay, truncation, or a dysfunctional protein product. This variant is rare in the general population with a frequency below the threshold expected for the associated phenotype(s). This variant has been observed in one or more individuals affected with the associated recessive disease, as either homozygous or compound heterozygous with a second variant (PMID: 29398085, 26092869). Given the available evidence, this variant is classified as Pathogenic.

Baylor Genetics
Classification: Pathogenic for Bardet-Biedl syndrome 14. Last evaluated: 2024-03-22. Review status: criteria provided, single submitter. Criteria: ACMG Guidelines, 2015. Collection method: clinical testing. Allele origin: unknown. Not counted in ClinVar's aggregate classification.

Blueprint Genetics
Classification: Pathogenic for CEP290-related disorders. Last evaluated: 2022-09-09. Review status: criteria provided, single submitter. Criteria: ACMG Guidelines, 2015. Collection method: clinical testing. Allele origin: germline. Affected: yes. Observed: 4 variant alleles. Not counted in ClinVar's aggregate classification.

UW Hindbrain Malformation Research Program, University of Washington
Classification: Pathogenic for Joubert syndrome 5. Last evaluated: 2015-02-23. Review status: criteria provided, single submitter. Criteria: Bachmann-Gagescu et al. (J Med Genet. 2015). Collection method: research. Allele origin: unknown. Affected: yes. Not counted in ClinVar's aggregate classification.

Sydney Genome Diagnostics, Children's Hospital Westmead
Classification: Likely pathogenic for Nephronophthisis. Last evaluated: 2014-04-18. Review status: no assertion criteria provided. Collection method: clinical testing. Allele origin: unknown. Affected: yes. Observed: 1 variant allele, 1 compound heterozygote. Not counted in ClinVar's aggregate classification.
Comment: c.4966_4967delGA is a frameshifting variant that is predicted to create a premature stop codon two amino acid positions downstream (p.Glu1656Asnfs*3), and may result in a null allele due to nonsense-mediated mRNA decay. This variant is considered to be pathogenic, and has been previously described in a patient with Leber congenital amaurosis (Coppieters et. al, 2010, Hum Mut, 31: E1709-E1766)

Literature cited by the submitters: PubMed 16909394 (cited by Labcorp Genetics (formerly Invitae), Labcorp); PubMed 17345604 (cited by Labcorp Genetics (formerly Invitae), Labcorp); PubMed 20690115 (cited by Labcorp Genetics (formerly Invitae), Labcorp); PubMed 17409309 (cited by Labcorp Genetics (formerly Invitae), Labcorp); PubMed 26092869 (cited by Labcorp Genetics (formerly Invitae), Labcorp and Natera, Inc.); PubMed 26673778 (cited by Labcorp Genetics (formerly Invitae), Labcorp); PubMed 29398085 (cited by Natera, Inc.).